The following is an entry in ClinVar:

ClinVar aggregate classification (germline): Uncertain significance (1 of 4 stars; one submission).

Submission:

Labcorp Genetics (formerly Invitae), Labcorp
Classification: Uncertain significance. Last evaluated: 2025-10-17. Review status: criteria provided, single submitter. Criteria: Invitae Variant Classification Sherloc (09022015). Collection method: clinical testing. Allele origin: germline.
Comment: This sequence change replaces leucine, which is neutral and non-polar, with valine, which is neutral and non-polar, at codon 153 of the NAF1 protein (p.Leu153Val). This variant is not present in population databases (gnomAD no frequency). This variant has not been reported in the literature in individuals affected with NAF1-related conditions. An algorithm developed to predict the effect of missense changes on protein structure and function (PolyPhen-2) suggests that this variant is likely to be tolerated. In summary, the available evidence is currently insufficient to determine the role of this variant in disease. Therefore, it has been classified as a Variant of Uncertain Significance.

NM_138386.3(NAF1):c.457C>G (p.Leu153Val)

Gene: NAF1 (nuclear assembly factor 1 ribonucleoprotein; minus strand). Cytogenetic location: 4q32.2.
Variant type: single nucleotide variant.
Coding change: c.457C>G on transcript NM_138386.3 (MANE Select); coding-DNA position 457, C replaced by G.
Protein change: p.Leu153Val; replaces leucine 153 with valine.
Molecular consequence: missense variant.
Genome position (GRCh38, 1-based): chr4:163,164,300, G>C on the plus strand (C>G on the coding strand, the complement: NAF1 is on the minus strand). VCF-style: chr4-163164300-G-C. GRCh37 (hg19) VCF-style: chr4-164085452-G-C.
Other names: c.457C>G, p.Leu153Val (NM_001128931.2); short protein forms L153V.
Identifiers: ClinVar variation 4697702 (VCV004697702.1).
Genomic context (GRCh38, chr4:163,164,300, plus strand): 5'-TTTTAAGAGGAAAATTCTTATTTTCCTTCTCAATTTGTAAATCATCATCTCCATCTGACA[G>C]CACTGGAGGAAGTGATATACAAGAGGAAGAAGACGACGATGAGGAAGATGAAGAGGAAGA-3'
Protein context (NP_612395.2, residues 143-163): SSSCISLPPV[Leu153Val]SDGDDDLQIE